The following is an entry in ClinVar:

ClinVar aggregate classification (germline): Uncertain significance (1 of 4 stars; one submission).

Allele frequency attached by ClinVar (database versions not stated): gnomAD 0.00001; 1000 Genomes Project 30x 0.00016; 1000 Genomes Project 0.00020; ExAC 0.00002; gnomAD exomes 0.00001.
gnomAD v4.1: 11 of 1,613,666 alleles (0.00068%); highest among the groups gnomAD compares: East Asian, 0.0045%; no homozygotes.

Submission:

Labcorp Genetics (formerly Invitae), Labcorp
Classification: Uncertain significance. Last evaluated: 2025-11-04. Review status: criteria provided, single submitter. Criteria: Invitae Variant Classification Sherloc (09022015). Collection method: clinical testing. Allele origin: germline.
Comment: This sequence change replaces alanine, which is neutral and non-polar, with threonine, which is neutral and polar, at codon 256 of the CSF2RB protein (p.Ala256Thr). This variant is present in population databases (rs551025109, gnomAD 0.006%). This variant has not been reported in the literature in individuals affected with CSF2RB-related conditions. ClinVar contains an entry for this variant (Variation ID: 2782493). Invitae Evidence Modeling of protein sequence and biophysical properties (such as structural, functional, and spatial information, amino acid conservation, physicochemical variation, residue mobility, and thermodynamic stability) indicates that this missense variant is not expected to disrupt CSF2RB protein function with a negative predictive value of 80%. In summary, the available evidence is currently insufficient to determine the role of this variant in disease. Therefore, it has been classified as a Variant of Uncertain Significance.

NM_000395.3(CSF2RB):c.766G>A (p.Ala256Thr)

Gene: CSF2RB (colony stimulating factor 2 receptor subunit beta; plus strand). Cytogenetic location: 22q12.3.
Variant type: single nucleotide variant.
Coding change: c.766G>A on transcript NM_000395.3 (MANE Select); coding-DNA position 766, G replaced by A.
Protein change: p.Ala256Thr; replaces alanine 256 with threonine.
Molecular consequence: missense variant.
Genome position (GRCh38, 1-based): chr22:36,930,422, G>A. VCF-style: chr22-36930422-G-A. GRCh37 (hg19) VCF-style: chr22-37326464-G-A.
Other names: c.766G>A, p.Ala256Thr (NM_001410827.1); short protein forms A256T.
Identifiers: ClinVar variation 2782493 (VCV002782493.3), dbSNP rs551025109, ClinGen allele CA10213580.